The following is an entry in ClinVar:

NM_153252.5(BRWD3):c.4377A>G (p.Leu1459=)

Gene: BRWD3 (bromodomain and WD repeat domain containing 3; minus strand). Cytogenetic location: Xq21.1.
Variant type: single nucleotide variant.
Coding change: c.4377A>G on transcript NM_153252.5 (MANE Select); coding-DNA position 4377, A replaced by G.
Protein change: p.Leu1459=; no amino-acid change (leucine 1459 retained).
Molecular consequence: synonymous variant.
Genome position (GRCh38, 1-based): chrX:80,682,485, T>C on the plus strand (A>G on the coding strand, the complement: BRWD3 is on the minus strand). VCF-style: chrX-80682485-T-C. GRCh37 (hg19) VCF-style: chrX-79937984-T-C.
Identifiers: ClinVar variation 96517 (VCV000096517.31), dbSNP rs138240307, ClinGen allele CA224193.

ClinVar aggregate classification (germline): Conflicting classifications of pathogenicity. Review status: criteria provided, conflicting classifications (1 of 4 stars). 3 submissions from 3 submitters: Uncertain significance (1); Likely benign (2). Last evaluated 2026-01-18.

Allele frequency attached by ClinVar (database versions not stated): ExAC 0.00022; gnomAD exomes 0.00024 and 0.00028; TOPMed 0.00024; gnomAD 0.00025 and 0.00028; ESP Exome Variant Server 0.00047.
gnomAD v4.1: 345 of 1,208,883 alleles (0.029%); highest among the groups gnomAD compares: Non-Finnish European, 0.028%; no homozygotes.

Submissions (3):

Labcorp Genetics (formerly Invitae), Labcorp
Classification: Likely benign. Last evaluated: 2026-01-18. Review status: criteria provided, single submitter. Criteria: Invitae Variant Classification Sherloc (09022015). Collection method: clinical testing. Allele origin: germline.

CeGaT Center for Human Genetics Tuebingen
Classification: Likely benign. Last evaluated: 2024-06-01. Review status: criteria provided, single submitter. Criteria: CeGaT Center For Human Genetics Tuebingen Variant Classification Criteria Version 2. Collection method: clinical testing. Allele origin: germline. Affected: yes. Observed: 1 variant allele.
Comment: BRWD3: BP4, BP7, BS2

Eurofins Ntd Llc (ga)
Classification: Uncertain significance. Last evaluated: 2018-04-09. Review status: criteria provided, single submitter. Criteria: EGL ClinVar v180209 classification definitions. Collection method: clinical testing. Allele origin: germline. Observed: 1 variant allele, 1 hemizygote.